The following is an entry in ClinVar:

ClinVar aggregate classification (germline): Benign (1 of 4 stars; one submission).

Allele frequency attached by ClinVar (database versions not stated): gnomAD 0.30354 and 0.30425; TOPMed 0.30670; 1000 Genomes Project 30x 0.32355; 1000 Genomes Project 0.32488.
gnomAD v4.1: 45,904 of 151,822 alleles (30%); highest among the groups gnomAD compares: East Asian, 46%; 7,184 homozygotes.

Submission:

GeneDx
Classification: Benign. Last evaluated: 2018-06-15. Review status: criteria provided, single submitter. Criteria: GeneDx Variant Classification (06012015). Collection method: clinical testing. Allele origin: germline. Affected: yes.
Comment: This variant is considered likely benign or benign based on one or more of the following criteria: it is a conservative change, it occurs at a poorly conserved position in the protein, it is predicted to be benign by multiple in silico algorithms, and/or has population frequency not consistent with disease.

NM_001943.5(DSG2):c.524-243G>C

Gene: DSG2 (desmoglein 2; plus strand). Cytogenetic location: 18q12.1.
Variant type: single nucleotide variant.
Coding change: c.524-243G>C on transcript NM_001943.5 (MANE Select); 243 bases into the intron before coding-DNA position 524, G replaced by C.
Molecular consequence: intron variant.
Genome position (GRCh38, 1-based): chr18:31,521,840, G>C. VCF-style: chr18-31521840-G-C. GRCh37 (hg19) VCF-style: chr18-29101803-G-C.
Identifiers: ClinVar variation 678117 (VCV000678117.1), dbSNP rs2256638, ClinGen allele CA14608491.
Genomic context (GRCh38, chr18:31,521,840, plus strand): 5'-TGTACCTGCTCATGTTACTTTCTTTGTATTGGCTACTAATACTATTATAAACAAATCTGT[G>C]CCCTTATACAGCAATTTTTCAGGACTCTACCCTCAGCCTTGCCTTCATCTTGTTTTTACT-3'